The following is an entry in ClinVar:

ClinVar aggregate classification (germline): Uncertain significance. Review status: criteria provided, multiple submitters, no conflicts (2 of 4 stars). 3 submissions from 3 submitters: Uncertain significance (3). Last evaluated 2025-04-23.

Conditions:
Inborn genetic diseases. Identifiers: MedGen C0950123, MeSH D030342.
PMM2-congenital disorder of glycosylation. Also called: PMM2-CDG; CDG Ia; JAEKEN SYNDROME; PHOSPHOMANNOMUTASE 2 DEFICIENCY; CARBOHYDRATE-DEFICIENT GLYCOPROTEIN SYNDROME, TYPE Ia; Congenital disorder of glycosylation, type Ia. Identifiers: Orphanet 79318, MedGen C0349653, MONDO:0008907, OMIM 212065.

Allele frequency attached by ClinVar (database versions not stated): TOPMed 0.00002.

Submissions (3):

GeneDx
Classification: Uncertain significance. Last evaluated: 2025-04-23. Review status: criteria provided, single submitter. Criteria: GeneDx Variant Classification Process June 2021. Collection method: clinical testing. Allele origin: germline. Affected: yes.
Comment: Not observed at significant frequency in large population cohorts (gnomAD); In silico analysis indicates that this missense variant does not alter protein structure/function; Has not been previously published as pathogenic or benign to our knowledge

Ambry Genetics
Classification: Uncertain significance for Inborn genetic diseases. Last evaluated: 2024-02-13. Review status: criteria provided, single submitter. Criteria: Ambry Variant Classification Scheme 2023. Collection method: clinical testing. Allele origin: germline.

Labcorp Genetics (formerly Invitae), Labcorp
Classification: Uncertain significance for PMM2-congenital disorder of glycosylation. Last evaluated: 2023-10-23. Review status: criteria provided, single submitter. Criteria: Invitae Variant Classification Sherloc (09022015). Collection method: clinical testing. Allele origin: germline.
Comment: This sequence change replaces glutamine, which is neutral and polar, with glutamic acid, which is acidic and polar, at codon 155 of the PMM2 protein (p.Gln155Glu). This variant is present in population databases (no rsID available, gnomAD 0.004%). This variant has not been reported in the literature in individuals affected with PMM2-related conditions. Advanced modeling of protein sequence and biophysical properties (such as structural, functional, and spatial information, amino acid conservation, physicochemical variation, residue mobility, and thermodynamic stability) performed at Invitae indicates that this missense variant is not expected to disrupt PMM2 protein function with a negative predictive value of 80%. In summary, the available evidence is currently insufficient to determine the role of this variant in disease. Therefore, it has been classified as a Variant of Uncertain Significance.

NM_000303.3(PMM2):c.463C>G (p.Gln155Glu)

Gene: PMM2 (phosphomannomutase 2; plus strand). Cytogenetic location: 16p13.2.
Variant type: single nucleotide variant.
Coding change: c.463C>G on transcript NM_000303.3 (MANE Select); coding-DNA position 463, C replaced by G.
Protein change: p.Gln155Glu; replaces glutamine 155 with glutamic acid.
Molecular consequence: missense variant.
Genome position (GRCh38, 1-based): chr16:8,811,653, C>G. VCF-style: chr16-8811653-C-G. GRCh37 (hg19) VCF-style: chr16-8905510-C-G.
Other names: c.463C>G (NM_000303.2); short protein forms Q155E.
Identifiers: ClinVar variation 2693749 (VCV002693749.5), dbSNP rs754407762, ClinGen allele CA277491360.